The following is an entry in ClinVar:

NM_001267550.2(TTN):c.1576G>C (p.Val526Leu)

Gene: TTN (titin; minus strand). Cytogenetic location: 2q31.2.
Variant type: single nucleotide variant.
Coding change: c.1576G>C on transcript NM_001267550.2 (MANE Select); coding-DNA position 1576, G replaced by C.
Protein change: p.Val526Leu; replaces valine 526 with leucine.
Molecular consequence: missense variant.
Genome position (GRCh38, 1-based): chr2:178,792,158, C>G on the plus strand (G>C on the coding strand, the complement: TTN is on the minus strand). VCF-style: chr2-178792158-C-G. GRCh37 (hg19) VCF-style: chr2-179656885-C-G.
Other names: c.1576G>C, p.Val526Leu (NM_001256850.1, NM_003319.4, NM_133378.4 and 3 more transcripts); short protein forms V526L.
Identifiers: ClinVar variation 1775604 (VCV001775604.2), dbSNP rs2533908738, ClinGen allele CA349511319.

ClinVar aggregate classification (germline): Uncertain significance (1 of 4 stars; one submission).

Conditions:
Cardiovascular phenotype. Identifiers: MedGen CN230736.

Submission:

Ambry Genetics
Classification: Uncertain significance for Cardiovascular phenotype. Last evaluated: 2019-10-28. Review status: criteria provided, single submitter. Criteria: Ambry Variant Classification Scheme 2023. Collection method: clinical testing. Allele origin: germline.
Comment: The p.V526L variant (also known as c.1576G>C), located in coding exon 9 of the TTN gene, results from a G to C substitution at nucleotide position 1576. The valine at codon 526 is replaced by leucine, an amino acid with highly similar properties. This amino acid position is not well conserved in available vertebrate species. In addition, this alteration is predicted to be tolerated by in silico analysis. Since supporting evidence is limited at this time, the clinical significance of this alteration remains unclear.